The following is an entry in ClinVar:

ClinVar aggregate classification (germline): Benign (1 of 4 stars; one submission).

Allele frequency attached by ClinVar (database versions not stated): ESP Exome Variant Server 0.00008; gnomAD 0.00020; TOPMed 0.00031; ExAC 0.00049; 1000 Genomes Project 30x 0.00062; 1000 Genomes Project 0.00080.

Submission:

CeGaT Center for Human Genetics Tuebingen
Classification: Benign. Last evaluated: 2022-05-01. Review status: criteria provided, single submitter. Criteria: CeGaT Center For Human Genetics Tuebingen Variant Classification Criteria Version 2. Collection method: clinical testing. Allele origin: germline. Affected: yes. Observed: 1 variant allele.
Comment: EMILIN1: BS1, BS2

NM_007046.4(EMILIN1):c.2341G>A (p.Gly781Arg)

Gene: EMILIN1 (elastin microfibril interfacer 1; plus strand). Cytogenetic location: 2p23.3.
Variant type: single nucleotide variant.
Coding change: c.2341G>A on transcript NM_007046.4 (MANE Select); coding-DNA position 2341, G replaced by A.
Protein change: p.Gly781Arg; replaces glycine 781 with arginine.
Molecular consequence: missense variant.
Genome position (GRCh38, 1-based): chr2:27,083,912, G>A. VCF-style: chr2-27083912-G-A. GRCh37 (hg19) VCF-style: chr2-27306780-G-A.
Other names: short protein forms G781R.
Identifiers: ClinVar variation 2650762 (VCV002650762.24), dbSNP rs143287701, ClinGen allele CA1568893.